The following is an entry in ClinVar:

NM_003998.4(NFKB1):c.1454C>T (p.Thr485Met)

Gene: NFKB1 (nuclear factor kappa B subunit 1; plus strand). Cytogenetic location: 4q24.
Variant type: single nucleotide variant.
Coding change: c.1454C>T on transcript NM_003998.4 (MANE Select); coding-DNA position 1454, C replaced by T.
Protein change: p.Thr485Met; replaces threonine 485 with methionine.
Molecular consequence: missense variant.
Genome position (GRCh38, 1-based): chr4:102,596,291, C>T. VCF-style: chr4-102596291-C-T. GRCh37 (hg19) VCF-style: chr4-103517448-C-T.
Other names: c.1451C>T, p.Thr484Met (NM_001165412.2, NM_001319226.2, NM_001382627.1); c.1454C>T, p.Thr485Met (NM_001382625.1, NM_001382626.1); c.1412C>T, p.Thr471Met (NM_001382628.1); short protein forms T471M, T484M, T485M.
Identifiers: ClinVar variation 2634765 (VCV002634765.2), dbSNP rs768572248, ClinGen allele CA3026155.
Genomic context (GRCh38, chr4:102,596,291, plus strand): 5'-CCACAGAGCAAGATCAGGAGCCCAGCGAGGCCACCGTTGGGAATGGTGAGGTCACTCTAA[C>T]GTATGCAACAGGAACAAAAGAAGAGAGTGCTGGAGTTCAGGGTAAGTGAGCACACAAATT-3'
Protein context (NP_003989.2, residues 475-495): ATVGNGEVTL[Thr485Met]YATGTKEESA

ClinVar aggregate classification (germline): Uncertain significance. Review status: criteria provided, multiple submitters, no conflicts (2 of 4 stars). 2 submissions from 2 submitters: Uncertain significance (2). Last evaluated 2025-10-07.

Conditions:
NFKB1-related disorder. Also called: NFKB1-related condition.

Allele frequency attached by ClinVar (database versions not stated): TOPMed 0.00001; ExAC 0.00002; gnomAD 0.00002.
gnomAD v4.1: 14 of 1,612,276 alleles (0.00087%); highest among the groups gnomAD compares: African/African-American, 0.0027%; no homozygotes.

Submissions (2):

Labcorp Genetics (formerly Invitae), Labcorp
Classification: Uncertain significance. Last evaluated: 2025-10-07. Review status: criteria provided, single submitter. Criteria: Invitae Variant Classification Sherloc (09022015). Collection method: clinical testing. Allele origin: germline.
Comment: This sequence change replaces threonine, which is neutral and polar, with methionine, which is neutral and non-polar, at codon 485 of the NFKB1 protein (p.Thr485Met). This variant is present in population databases (rs768572248, gnomAD 0.004%). This variant has not been reported in the literature in individuals affected with NFKB1-related conditions. ClinVar contains an entry for this variant (Variation ID: 2634765). Invitae Evidence Modeling of protein sequence and biophysical properties (such as structural, functional, and spatial information, amino acid conservation, physicochemical variation, residue mobility, and thermodynamic stability) indicates that this missense variant is not expected to disrupt NFKB1 protein function with a negative predictive value of 80%. In summary, the available evidence is currently insufficient to determine the role of this variant in disease. Therefore, it has been classified as a Variant of Uncertain Significance.

PreventionGenetics, part of Exact Sciences
Classification: Uncertain significance for NFKB1-related condition. Last evaluated: 2023-01-31. Review status: criteria provided, single submitter. Criteria: ACMG Guidelines, 2015. Collection method: clinical testing. Allele origin: germline.
Comment: The NFKB1 c.1454C>T variant is predicted to result in the amino acid substitution p.Thr485Met. To our knowledge, this variant has not been reported in the literature. This variant is reported in 0.0044% of alleles in individuals of European (Non-Finnish) descent in gnomAD. At this time, the clinical significance of this variant is uncertain due to the absence of conclusive functional and genetic evidence.